The following is an entry in ClinVar:

ClinVar aggregate classification (germline): Conflicting classifications of pathogenicity. Review status: criteria provided, conflicting classifications (1 of 4 stars). 2 submissions from 2 submitters: Likely pathogenic (1); Uncertain significance (1). Last evaluated 2025-04-16.

Conditions:
Mevalonic aciduria (MEVA). Identifiers: Orphanet 29, MedGen C1959626, MONDO:0012481, OMIM 610377.

Submissions (2):

Women's Health and Genetics/Laboratory Corporation of America, LabCorp
Classification: Likely pathogenic for Mevalonic aciduria. Last evaluated: 2025-04-16. Review status: criteria provided, single submitter. Criteria: LabCorp Variant Classification Summary - May 2015. Collection method: clinical testing. Allele origin: germline.
Comment: Variant summary: MVK c.22G>A (p.Val8Met) results in a conservative amino acid change in the encoded protein sequence. Four of five in-silico tools predict a damaging effect of the variant on protein function. The variant was absent in 241318 control chromosomes (gnomAD). c.22G>A has been observed in individuals affected with Hyperimmunoglobulin D syndrome or Mevalonate kinase deficiency (Al-Mayouf_2019, Wang_2020, Szeri_2021, Faraci_2021). These data indicate that the variant is likely to be associated with disease. To our knowledge, no experimental evidence demonstrating an impact on protein function has been reported. The following publications have been ascertained in the context of this evaluation (PMID: 31741047, 33410495, 35906690, 33165748, 33042144). No submitters have cited clinical-significance assessments for this variant to ClinVar. Based on the evidence outlined above, the variant was classified as likely pathogenic.

Blueprint Genetics
Classification: Uncertain significance. Last evaluated: 2024-02-14. Review status: criteria provided, single submitter. Criteria: ACMG Guidelines, 2015. Collection method: clinical testing. Allele origin: germline.

Literature cited by the submitters: PubMed 33042144 (cited by Women's Health and Genetics/Laboratory Corporation of America, LabCorp); PubMed 31741047 (cited by Women's Health and Genetics/Laboratory Corporation of America, LabCorp); PubMed 33410495 (cited by Women's Health and Genetics/Laboratory Corporation of America, LabCorp); PubMed 35906690 (cited by Women's Health and Genetics/Laboratory Corporation of America, LabCorp); PubMed 33165748 (cited by Women's Health and Genetics/Laboratory Corporation of America, LabCorp).

NM_000431.4(MVK):c.22G>A (p.Val8Met)

Gene: MVK (mevalonate kinase; plus strand). Cytogenetic location: 12q24.11.
Variant type: single nucleotide variant.
Coding change: c.22G>A on transcript NM_000431.4 (MANE Select); coding-DNA position 22, G replaced by A.
Protein change: p.Val8Met; replaces valine 8 with methionine.
Molecular consequence: missense variant. On other transcripts: non-coding transcript variant (4), intron variant (1).
Genome position (GRCh38, 1-based): chr12:109,574,844, G>A. VCF-style: chr12-109574844-G-A. GRCh37 (hg19) VCF-style: chr12-110012649-G-A.
Other names: c.22G>A, p.Val8Met (NM_001114185.3, NM_001301182.2, NM_001414511.1 and 3 more transcripts); c.-505+971G>A (NM_001414515.1); short protein forms V8M.
Identifiers: ClinVar variation 3896240 (VCV003896240.3).